The following is an entry in ClinVar:

NM_000179.3(MSH6):c.796A>C (p.Lys266Gln)

Gene: MSH6 (mutS homolog 6; plus strand). Cytogenetic location: 2p16.3.
Variant type: single nucleotide variant.
Coding change: c.796A>C on transcript NM_000179.3 (MANE Select); coding-DNA position 796, A replaced by C.
Protein change: p.Lys266Gln; replaces lysine 266 with glutamine.
Molecular consequence: missense variant. On other transcripts: 5 prime UTR variant (2).
Genome position (GRCh38, 1-based): chr2:47,798,779, A>C. VCF-style: chr2-47798779-A-C. GRCh37 (hg19) VCF-style: chr2-48025918-A-C.
Other names: c.406A>C, p.Lys136Gln (NM_001281492.2); c.-111A>C (NM_001281493.2, NM_001281494.2); short protein forms K266Q, K136Q.
Identifiers: ClinVar variation 940606 (VCV000940606.15), dbSNP rs1333079379, ClinGen allele CA346740308.

ClinVar aggregate classification (germline): Conflicting classifications of pathogenicity. Review status: criteria provided, conflicting classifications (1 of 4 stars). 4 submissions from 4 submitters: Uncertain significance (2); Likely benign (2). Last evaluated 2026-01-27.

Conditions:
Hereditary cancer-predisposing syndrome. Also called: Hereditary neoplastic syndrome; Hereditary Cancer Syndrome; Neoplastic Syndromes, Hereditary; Tumor predisposition. Identifiers: Orphanet 140162, MedGen C0027672, MeSH D009386, MONDO:0015356.
Hereditary nonpolyposis colorectal neoplasms. Identifiers: MedGen C0009405, MeSH D003123.

Allele frequency attached by ClinVar (database versions not stated): gnomAD exomes 0.00001; gnomAD 0.00003.
gnomAD v4.1: 7 of 1,614,062 alleles (0.00043%); highest among the groups gnomAD compares: Non-Finnish European, 0.00059%; no homozygotes.

Submissions (4):

Labcorp Genetics (formerly Invitae), Labcorp
Classification: Likely benign for Hereditary nonpolyposis colorectal neoplasms. Last evaluated: 2026-01-27. Review status: criteria provided, single submitter. Criteria: Invitae Variant Classification Sherloc (09022015). Collection method: clinical testing. Allele origin: germline.

Color Diagnostics, LLC DBA Color Health
Classification: Uncertain significance for Hereditary cancer-predisposing syndrome. Last evaluated: 2024-03-06. Review status: criteria provided, single submitter. Criteria: ACMG Guidelines, 2015. Collection method: clinical testing. Allele origin: germline.
Comment: This missense variant replaces lysine with glutamine at codon 266 of the MSH6 protein. Computational prediction suggests that this variant may not impact protein structure and function (internally defined REVEL score threshold <= 0.5, PMID: 27666373). To our knowledge, functional studies have not been reported for this variant. This variant has not been reported in individuals affected with hereditary cancer in the literature. This variant has been identified in 9/31398 chromosomes in the general population by the Genome Aggregation Database (gnomAD). The available evidence is insufficient to determine the role of this variant in disease conclusively. Therefore, this variant is classified as a Variant of Uncertain Significance.

Ambry Genetics
Classification: Likely benign for Hereditary cancer-predisposing syndrome. Last evaluated: 2023-10-25. Review status: criteria provided, single submitter. Criteria: Ambry Variant Classification Scheme 2023. Collection method: clinical testing. Allele origin: germline.

Blueprint Genetics
Classification: Uncertain significance. Last evaluated: 2023-01-20. Review status: criteria provided, single submitter. Criteria: ACMG Guidelines, 2015. Collection method: clinical testing. Allele origin: germline.